The following is an entry in ClinVar:

NM_005247.4(FGF3):c.325-2A>G

Gene: FGF3 (fibroblast growth factor 3; minus strand). Cytogenetic location: 11q13.3.
Variant type: single nucleotide variant.
Coding change: c.325-2A>G on transcript NM_005247.4 (MANE Select); the canonical splice acceptor site of the intron before coding-DNA position 325, A replaced by G.
Molecular consequence: splice acceptor variant.
Genome position (GRCh38, 1-based): chr11:69,810,702, T>C on the plus strand (A>G on the coding strand, the complement: FGF3 is on the minus strand). VCF-style: chr11-69810702-T-C. GRCh37 (hg19) VCF-style: chr11-69625470-T-C.
Identifiers: ClinVar variation 1805687 (VCV001805687.1), dbSNP rs2539175283, ClinGen allele CA381664071.
Genomic context (GRCh38, chr11:69,810,702, plus strand): 5'-GTATTATAGCCCAGCTCGTGGATCCGCTCCACAAACTCGCACTCGGCGCTGTAGTGCTCC[T>C]GCGGGGATGAGATATCATGGTCAGTGCCCCGGGGAGACTGTGGCAGCGTCAGGGCCCAGG-3'

ClinVar aggregate classification (germline): Uncertain significance (1 of 4 stars; one submission).

Conditions:
Deafness with labyrinthine aplasia, microtia, and microdontia. Also called: DEAFNESS WITH LAMM; DEAFNESS, CONGENITAL, WITH LABYRINTHINE APLASIA, MICROTIA, AND MICRODONTIA; Congenital Deafness with Inner Ear Agenesis, Microtia, and Microdontia. Identifiers: Orphanet 90024, MedGen C1853144, MONDO:0012541, OMIM 610706.

Allele frequency attached by ClinVar (database versions not stated): gnomAD exomes below 0.00001.

Submission:

Victorian Clinical Genetics Services, Murdoch Childrens Research Institute
Classification: Uncertain significance for Deafness with labyrinthine aplasia, microtia, and microdontia. Last evaluated: 2020-05-25. Review status: criteria provided, single submitter. Criteria: ACMG Guidelines, 2015. Collection method: clinical testing. Allele origin: germline. Inheritance: Autosomal recessive inheritance. Affected: yes.
Comment: Based on the classification scheme VCGS_Germline_v1.1.1, this variant is classified as VUS – 3A. Following criteria are met: 0102 - Loss-of-function is a known mechanism of disease for this gene. (N) 0106 - This gene is known to be associated with autosomal recessive disease. (N) 0211 - Canonical splice site variant without proven consequence on splicing (no functional evidence available) (intron 2 of 2). (P) 0251 - Variant is heterozygous. (N) 0301 - Variant is absent from gnomAD. (P) 0505 - Abnormal splicing is predicted by in silico tools and affected nucleotide is highly conserved. (P) 0705 - No comparable variants have previous evidence for pathogenicity. (N) 0807 - Variant has not previously been reported in a clinical context. (N) 0905 - No segregation evidence has been identified for this variant. (N) 1007 - No published functional evidence has been identified for this variant. (N) 1208 - Inheritance information for this variant is not currently available. (N) Legend: (P) - Pathogenic, (N) - Neutral, (B) - Benign